The following is an entry in ClinVar:

NM_001127208.3(TET2):c.3383A>G (p.Tyr1128Cys)

Genes: TET2 (tet methylcytosine dioxygenase 2; plus strand), TET2-AS1 (TET2 antisense RNA 1; minus strand). Cytogenetic location: 4q24.
Variant type: single nucleotide variant.
Coding change: c.3383A>G on transcript NM_001127208.3 (MANE Select); coding-DNA position 3383, A replaced by G.
Protein change: p.Tyr1128Cys; replaces tyrosine 1128 with cysteine.
Molecular consequence: missense variant.
Genome position (GRCh38, 1-based): chr4:105,237,325, A>G. VCF-style: chr4-105237325-A-G. GRCh37 (hg19) VCF-style: chr4-106158482-A-G.
Other names: c.3383A>G, p.Tyr1128Cys (NM_017628.4); short protein forms Y1128C.
Identifiers: ClinVar variation 3967613 (VCV003967613.1).

ClinVar aggregate classification (germline): Uncertain significance (1 of 4 stars; one submission).

Submission:

Ambry Genetics
Classification: Uncertain significance. Last evaluated: 2025-05-03. Review status: criteria provided, single submitter. Criteria: Ambry Variant Classification Scheme 2023. Collection method: clinical testing. Allele origin: germline.
Comment: The p.Y1128C variant (also known as c.3383A>G), located in coding exon 1 of the TET2 gene, results from an A to G substitution at nucleotide position 3383. The tyrosine at codon 1128 is replaced by cysteine, an amino acid with highly dissimilar properties. This amino acid position is conserved. In addition, the in silico prediction for this alteration is inconclusive. Based on the available evidence, the clinical significance of this variant remains unclear.